The following is an entry in ClinVar:

ClinVar aggregate classification (germline): Likely benign (1 of 4 stars; one submission).

Conditions:
MSH3-related disorder. Also called: MSH3-related condition.

gnomAD v4.1: 1 of 1,607,076 alleles (0.000062%); highest among the groups gnomAD compares: Non-Finnish European, 0.000085%; no homozygotes.

Submission:

PreventionGenetics, part of Exact Sciences
Classification: Likely benign for MSH3-related condition. Last evaluated: 2025-02-19. Review status: criteria provided, single submitter. Criteria: ACMG Guidelines, 2015. Collection method: clinical testing. Allele origin: germline.
Comment: This variant is classified as likely benign based on ACMG/AMP sequence variant interpretation guidelines (Richards et al. 2015 PMID: 25741868, with internal and published modifications).

NM_002439.5(MSH3):c.2331G>C (p.Val777=)

Gene: MSH3 (mutS homolog 3; plus strand). Cytogenetic location: 5q14.1.
Variant type: single nucleotide variant.
Coding change: c.2331G>C on transcript NM_002439.5 (MANE Select); coding-DNA position 2331, G replaced by C.
Protein change: p.Val777=; no amino-acid change (valine 777 retained).
Molecular consequence: synonymous variant.
Genome position (GRCh38, 1-based): chr5:80,778,732, G>C. VCF-style: chr5-80778732-G-C. GRCh37 (hg19) VCF-style: chr5-80074551-G-C.
Identifiers: ClinVar variation 4996843 (VCV004996843.1).